The following is an entry in ClinVar:

ClinVar aggregate classification (germline): Uncertain significance (1 of 4 stars; one submission).

Conditions:
Hereditary cancer-predisposing syndrome. Also called: Neoplastic Syndromes, Hereditary; Tumor predisposition; Hereditary Cancer Syndrome; Hereditary neoplastic syndrome. Identifiers: Orphanet 140162, MedGen C0027672, MeSH D009386, MONDO:0015356.

Submission:

Ambry Genetics
Classification: Uncertain significance for Hereditary cancer-predisposing syndrome. Last evaluated: 2026-03-17. Review status: criteria provided, single submitter. Criteria: Ambry Variant Classification Scheme 2023. Collection method: clinical testing. Allele origin: germline.
Comment: The p.H99P variant (also known as c.296A>C), located in coding exon 3 of the TSC2 gene, results from an A to C substitution at nucleotide position 296. The histidine at codon 99 is replaced by proline, an amino acid with similar properties. This amino acid position is conserved. In addition, this alteration is predicted to be deleterious by in silico analysis. Based on the available evidence, the clinical significance of this variant remains unclear.

NM_000548.5(TSC2):c.296A>C (p.His99Pro)

Gene: TSC2 (TSC complex subunit 2; plus strand). Cytogenetic location: 16p13.3.
Variant type: single nucleotide variant.
Coding change: c.296A>C on transcript NM_000548.5 (MANE Select); coding-DNA position 296, A replaced by C.
Protein change: p.His99Pro; replaces histidine 99 with proline.
Molecular consequence: missense variant. On other transcripts: 5 prime UTR variant (14), non-coding transcript variant (5), intron variant (9).
Genome position (GRCh38, 1-based): chr16:2,053,412, A>C. VCF-style: chr16-2053412-A-C. GRCh37 (hg19) VCF-style: chr16-2103413-A-C.
Other names: c.296A>C, p.His99Pro (NM_001406673.1, NM_021055.3, NM_001077183.3 and 10 more transcripts); c.149A>C, p.His50Pro (NM_001406675.1, NM_001406676.1, NM_001406677.1 and 2 more transcripts); c.-521A>C (NM_001406680.1, NM_001406683.1, NM_001406687.1); c.-150A>C (NM_001406681.1); c.-1136A>C (NM_001406689.1, NM_001406690.1, NM_001406691.1 and 2 more transcripts); c.-1442A>C (NM_001406693.1); c.-1017A>C (NM_001406694.1, NM_001406695.1); c.-1124A>C (NM_001406696.1); and 4 more; short protein forms H110P, H50P, H99P.
Identifiers: ClinVar variation 4866067 (VCV004866067.1).